The following is an entry in ClinVar:

NM_002439.5(MSH3):c.1071T>A (p.Asp357Glu)

Gene: MSH3 (mutS homolog 3; plus strand). Cytogenetic location: 5q14.1.
Variant type: single nucleotide variant.
Coding change: c.1071T>A on transcript NM_002439.5 (MANE Select); coding-DNA position 1071, T replaced by A.
Protein change: p.Asp357Glu; replaces aspartic acid 357 with glutamic acid.
Molecular consequence: missense variant.
Genome position (GRCh38, 1-based): chr5:80,675,026, T>A. VCF-style: chr5-80675026-T-A. GRCh37 (hg19) VCF-style: chr5-79970845-T-A.
Other names: short protein forms D357E.
Identifiers: ClinVar variation 943710 (VCV000943710.10), dbSNP rs780963280, ClinGen allele CA360267978.

ClinVar aggregate classification (germline): Uncertain significance. Review status: criteria provided, multiple submitters, no conflicts (2 of 4 stars). 2 submissions from 2 submitters: Uncertain significance (2). Last evaluated 2025-10-29.

Conditions:
Hereditary cancer-predisposing syndrome. Also called: Neoplastic Syndromes, Hereditary; Hereditary Cancer Syndrome; Tumor predisposition; Hereditary neoplastic syndrome. Identifiers: Orphanet 140162, MedGen C0027672, MeSH D009386, MONDO:0015356.

Submissions (2):

Labcorp Genetics (formerly Invitae), Labcorp
Classification: Uncertain significance. Last evaluated: 2025-10-29. Review status: criteria provided, single submitter. Criteria: Invitae Variant Classification Sherloc (09022015). Collection method: clinical testing. Allele origin: germline.
Comment: This sequence change replaces aspartic acid, which is acidic and polar, with glutamic acid, which is acidic and polar, at codon 357 of the MSH3 protein (p.Asp357Glu). This variant is present in population databases (no rsID available, gnomAD 0.0009%). This variant has not been reported in the literature in individuals affected with MSH3-related conditions. ClinVar contains an entry for this variant (Variation ID: 943710). An algorithm developed to predict the effect of missense changes on protein structure and function outputs the following: PolyPhen-2: "Benign". The glutamic acid amino acid residue is found in multiple mammalian species, which suggests that this missense change does not adversely affect protein function. RNA analysis performed to evaluate the impact of this missense change on mRNA splicing indicates it does not significantly alter splicing (internal data). In summary, the available evidence is currently insufficient to determine the role of this variant in disease. Therefore, it has been classified as a Variant of Uncertain Significance.

Ambry Genetics
Classification: Uncertain significance for Hereditary cancer-predisposing syndrome. Last evaluated: 2023-11-16. Review status: criteria provided, single submitter. Criteria: Ambry Variant Classification Scheme 2023. Collection method: clinical testing. Allele origin: germline.
Comment: The p.D357E variant (also known as c.1071T>A), located in coding exon 7 of the MSH3 gene, results from a T to A substitution at nucleotide position 1071. The aspartic acid at codon 357 is replaced by glutamic acid, an amino acid with highly similar properties. This amino acid position is conserved. In addition, this alteration is predicted to be tolerated by in silico analysis. Since supporting evidence is limited at this time, the clinical significance of this alteration remains unclear.